The following is an entry in ClinVar:

NM_001379500.1(COL18A1):c.1733_1742del (p.Ala578fs)

Gene: COL18A1 (collagen type XVIII alpha 1 chain; plus strand). Cytogenetic location: 21q22.3.
Variant type: Deletion.
Coding change: c.1733_1742del on transcript NM_001379500.1 (MANE Select); coding-DNA positions 1733 to 1742, 10 bases deleted (CTCGTGGGGA; older notation c.1733_1742delCTCGTGGGGA).
Protein change: p.Ala578fs; shifts the reading frame from alanine 578.
Molecular consequence: frameshift variant.
Genome position (GRCh38, 1-based): chr21:45,486,892-45,486,901, CTCGTGGGGA deleted. VCF-style (leftmost placement, unchanged base first): chr21-45486891-GCTCGTGGGGA-G. GRCh37 (hg19) VCF-style: chr21-46906805-GCTCGTGGGGA-G.
Other names: c.2273_2282del, p.Ala758fs (NM_030582.4); c.2978_2987del, p.Ala993fs (NM_130444.3); short protein forms A578fs, A758fs, A993fs.
Identifiers: ClinVar variation 3384068 (VCV003384068.1).

ClinVar aggregate classification (germline): Likely pathogenic (1 of 4 stars; one submission).

Conditions:
Knobloch syndrome (KNO). Also called: RETINAL DETACHMENT AND OCCIPITAL ENCEPHALOCELE; Myopia retinal detachment encephalocele. Identifiers: Orphanet 1571, MedGen C1849409, MONDO:0800166.

Submission:

Dubai Health Genomic Medicine Center, Dubai Health
Classification: Likely pathogenic for Knobloch syndrome. Last evaluated: 2024-10-04. Review status: criteria provided, single submitter. Criteria: ACMG Guidelines, 2015. Collection method: research. Allele origin: germline. Affected: yes.
Comment: PVS1,PM2